The following is an entry in ClinVar:

NM_032242.4(PLXNA1):c.2846G>A (p.Arg949His)

Gene: PLXNA1 (plexin A1; plus strand). Cytogenetic location: 3q21.3.
Variant type: single nucleotide variant.
Coding change: c.2846G>A on transcript NM_032242.4 (MANE Select); coding-DNA position 2846, G replaced by A.
Protein change: p.Arg949His; replaces arginine 949 with histidine.
Molecular consequence: missense variant.
Genome position (GRCh38, 1-based): chr3:127,014,800, G>A. VCF-style: chr3-127014800-G-A. GRCh37 (hg19) VCF-style: chr3-126733643-G-A.
Other names: short protein forms R949H.
Identifiers: ClinVar variation 3349369 (VCV003349369.1).

ClinVar aggregate classification (germline): Uncertain significance (0 of 4 stars; one submission).

Conditions:
PLXNA1-related disorder. Also called: PLXNA1-related condition.

gnomAD v4.1: 10 of 1,612,622 alleles (0.00062%); highest among the groups gnomAD compares: South Asian, 0.0033%; no homozygotes.

Submission:

PreventionGenetics, part of Exact Sciences
Classification: Uncertain significance for PLXNA1-related condition. Last evaluated: 2024-08-04. Review status: no assertion criteria provided. Collection method: clinical testing. Allele origin: germline.
Comment: The PLXNA1 c.2846G>A variant is predicted to result in the amino acid substitution p.Arg949His. To our knowledge, this variant has not been reported in the literature. This variant is reported in 0.0% of alleles in individuals of African descent in gnomAD. At this time, the clinical significance of this variant is uncertain due to the absence of conclusive functional and genetic evidence.